The following is an entry in ClinVar:

ClinVar aggregate classification (germline): Uncertain significance (1 of 4 stars; one submission).

Conditions:
Norman-Roberts syndrome (LIS2). Also called: Lissencephaly 2 (Norman-Roberts type). Identifiers: Orphanet 89844, MedGen C0796089, MONDO:0009760, OMIM 257320.
Familial temporal lobe epilepsy 7. Identifiers: Orphanet 101046, MedGen C4225327, MONDO:0014639, OMIM 616436.

Allele frequency attached by ClinVar (database versions not stated): TOPMed below 0.00001; gnomAD exomes 0.00001.
gnomAD v4.1: 6 of 1,613,806 alleles (0.00037%); highest among the groups gnomAD compares: East Asian, 0.013%; no homozygotes.

Submission:

Labcorp Genetics (formerly Invitae), Labcorp
Classification: Uncertain significance for Familial temporal lobe epilepsy 7; Norman-Roberts syndrome. Last evaluated: 2023-04-07. Review status: criteria provided, single submitter. Criteria: Invitae Variant Classification Sherloc (09022015). Collection method: clinical testing. Allele origin: germline.
Comment: This sequence change replaces isoleucine, which is neutral and non-polar, with valine, which is neutral and non-polar, at codon 351 of the RELN protein (p.Ile351Val). This variant is not present in population databases (gnomAD no frequency). This variant has not been reported in the literature in individuals affected with RELN-related conditions. Advanced modeling of protein sequence and biophysical properties (such as structural, functional, and spatial information, amino acid conservation, physicochemical variation, residue mobility, and thermodynamic stability) performed at Invitae indicates that this missense variant is not expected to disrupt RELN protein function. In summary, the available evidence is currently insufficient to determine the role of this variant in disease. Therefore, it has been classified as a Variant of Uncertain Significance.

NM_005045.4(RELN):c.1051A>G (p.Ile351Val)

Gene: RELN (reelin; minus strand). Cytogenetic location: 7q22.1.
Variant type: single nucleotide variant.
Coding change: c.1051A>G on transcript NM_005045.4 (MANE Select); coding-DNA position 1051, A replaced by G.
Protein change: p.Ile351Val; replaces isoleucine 351 with valine.
Molecular consequence: missense variant.
Genome position (GRCh38, 1-based): chr7:103,697,945, T>C on the plus strand (A>G on the coding strand, the complement: RELN is on the minus strand). VCF-style: chr7-103697945-T-C. GRCh37 (hg19) VCF-style: chr7-103338392-T-C.
Other names: c.1051A>G, p.Ile351Val (NM_173054.3); short protein forms I351V.
Identifiers: ClinVar variation 2940499 (VCV002940499.3), dbSNP rs1445688100, ClinGen allele CA368927593.
Genomic context (GRCh38, chr7:103,697,945, plus strand): 5'-TGCCTGTGTCCACTGGGTCGAGACTATCTTCTAAAACGACTTGTCTGTGAGCTGAATTGA[T>C]GATCAAGATGTTATCTAAGGCCCAGCAGGCTTCATACACTTCACCTACACGAAGATTTTC-3'
Protein context (NP_005036.2, residues 341-361): ACWALDNILI[Ile351Val]NSAHRQVVLE